The following is an entry in ClinVar:

ClinVar aggregate classification (germline): Uncertain significance (1 of 4 stars; one submission).

Conditions:
Carney complex, type 1 (CNC1). Also called: CARNEY MYXOMA-ENDOCRINE COMPLEX; CARNEY COMPLEX, TYPE I. Identifiers: Orphanet 1359, MedGen C2607929, MONDO:0008057, OMIM 160980.

Allele frequency attached by ClinVar (database versions not stated): gnomAD exomes below 0.00001.
gnomAD v4.1: 1 of 1,613,650 alleles (0.000062%); highest among the groups gnomAD compares: Non-Finnish European, 0.000085%; no homozygotes.

Submission:

Labcorp Genetics (formerly Invitae), Labcorp
Classification: Uncertain significance for Carney complex, type 1. Last evaluated: 2023-02-01. Review status: criteria provided, single submitter. Criteria: Invitae Variant Classification Sherloc (09022015). Collection method: clinical testing. Allele origin: germline.
Comment: This sequence change replaces leucine, which is neutral and non-polar, with phenylalanine, which is neutral and non-polar, at codon 20 of the PRKAR1A protein (p.Leu20Phe). This variant is not present in population databases (gnomAD no frequency). This variant has not been reported in the literature in individuals affected with PRKAR1A-related conditions. Algorithms developed to predict the effect of missense changes on protein structure and function (SIFT, PolyPhen-2, Align-GVGD) all suggest that this variant is likely to be tolerated. Algorithms developed to predict the effect of sequence changes on RNA splicing suggest that this variant may create or strengthen a splice site. In summary, the available evidence is currently insufficient to determine the role of this variant in disease. Therefore, it has been classified as a Variant of Uncertain Significance.

NM_002734.5(PRKAR1A):c.58C>T (p.Leu20Phe)

Gene: PRKAR1A (protein kinase cAMP-dependent type I regulatory subunit alpha; plus strand). Cytogenetic location: 17q24.2.
Variant type: single nucleotide variant.
Coding change: c.58C>T on transcript NM_002734.5 (MANE Select); coding-DNA position 58, C replaced by T.
Protein change: p.Leu20Phe; replaces leucine 20 with phenylalanine.
Molecular consequence: missense variant.
Genome position (GRCh38, 1-based): chr17:68,515,457, C>T. VCF-style: chr17-68515457-C-T. GRCh37 (hg19) VCF-style: chr17-66511598-C-T.
Other names: c.58C>T, p.Leu20Phe (NM_001276289.2, NM_001276290.1, NM_001278433.2 and 4 more transcripts); short protein forms L20F.
Identifiers: ClinVar variation 2888136 (VCV002888136.3), dbSNP rs2509357857, ClinGen allele CA400751877.
Genomic context (GRCh38, chr17:68,515,457, plus strand): 5'-ACCATGGAGTCTGGCAGTACCGCCGCCAGTGAGGAGGCACGCAGCCTTCGAGAATGTGAG[C>T]TCTACGTCCAGAAGCATAACATTCAAGCGCTGCTCAAAGATTCTATTGTGCAGTTGTGCA-3'
Protein context (NP_002725.1, residues 10-30): EEARSLRECE[Leu20Phe]YVQKHNIQAL